The following is an entry in ClinVar:

ClinVar aggregate classification (germline): Uncertain significance (1 of 4 stars; one submission).

Allele frequency attached by ClinVar (database versions not stated): gnomAD exomes below 0.00001.
gnomAD v4.1: 6 of 1,613,286 alleles (0.00037%); highest among the groups gnomAD compares: Non-Finnish European, 0.00051%; no homozygotes.

Submission:

Labcorp Genetics (formerly Invitae), Labcorp
Classification: Uncertain significance. Last evaluated: 2022-08-21. Review status: criteria provided, single submitter. Criteria: Invitae Variant Classification Sherloc (09022015). Collection method: clinical testing. Allele origin: germline.
Comment: This variant has not been reported in the literature in individuals affected with ATR-related conditions. This variant is present in population databases (no rsID available, gnomAD 0.0009%). This sequence change affects codon 2364 of the ATR mRNA. It is a 'silent' change, meaning that it does not change the encoded amino acid sequence of the ATR protein. ClinVar contains an entry for this variant (Variation ID: 1063132). In summary, the available evidence is currently insufficient to determine the role of this variant in disease. Therefore, it has been classified as a Variant of Uncertain Significance. Algorithms developed to predict the effect of sequence changes on RNA splicing suggest that this variant may create or strengthen a splice site.

NM_001184.4(ATR):c.7092A>G (p.Thr2364=)

Gene: ATR (ATR checkpoint kinase; minus strand). Cytogenetic location: 3q23.
Variant type: single nucleotide variant.
Coding change: c.7092A>G on transcript NM_001184.4 (MANE Select); coding-DNA position 7092, A replaced by G.
Protein change: p.Thr2364=; no amino-acid change (threonine 2364 retained).
Molecular consequence: synonymous variant.
Genome position (GRCh38, 1-based): chr3:142,462,040, T>C on the plus strand (A>G on the coding strand, the complement: ATR is on the minus strand). VCF-style: chr3-142462040-T-C. GRCh37 (hg19) VCF-style: chr3-142180882-T-C.
Other names: c.6900A>G, p.Thr2300= (NM_001354579.2).
Identifiers: ClinVar variation 1063132 (VCV001063132.7), dbSNP rs1018327125, ClinGen allele CA84728258.